The following is an entry in ClinVar:

NM_001364905.1(LRBA):c.4342T>C (p.Cys1448Arg)

Gene: LRBA (LPS responsive beige-like anchor protein; minus strand). Cytogenetic location: 4q31.3.
Variant type: single nucleotide variant.
Coding change: c.4342T>C on transcript NM_001364905.1 (MANE Select); coding-DNA position 4342, T replaced by C.
Protein change: p.Cys1448Arg; replaces cysteine 1448 with arginine.
Molecular consequence: missense variant.
Genome position (GRCh38, 1-based): chr4:150,844,777, A>G on the plus strand (T>C on the coding strand, the complement: LRBA is on the minus strand). VCF-style: chr4-150844777-A-G. GRCh37 (hg19) VCF-style: chr4-151765929-A-G.
Other names: c.4342T>C, p.Cys1448Arg (NM_001199282.3, NM_001367550.1, NM_001440430.1 and 2 more transcripts); short protein forms C1448R.
Identifiers: ClinVar variation 4702154 (VCV004702154.1).

ClinVar aggregate classification (germline): Uncertain significance (1 of 4 stars; one submission).

Conditions:
Combined immunodeficiency due to LRBA deficiency. Also called: Common variable immunodeficiency 8, with autoimmunity. Identifiers: Orphanet 445018, MedGen C3553512, MONDO:0013863, OMIM 614700.

Submission:

Labcorp Genetics (formerly Invitae), Labcorp
Classification: Uncertain significance for Combined immunodeficiency due to LRBA deficiency. Last evaluated: 2025-04-10. Review status: criteria provided, single submitter. Criteria: Invitae Variant Classification Sherloc (09022015). Collection method: clinical testing. Allele origin: germline.
Comment: This sequence change replaces cysteine, which is neutral and slightly polar, with arginine, which is basic and polar, at codon 1448 of the LRBA protein (p.Cys1448Arg). This variant is not present in population databases (gnomAD no frequency). This variant has not been reported in the literature in individuals affected with LRBA-related conditions. An algorithm developed to predict the effect of missense changes on protein structure and function (PolyPhen-2) suggests that this variant is likely to be disruptive. In summary, the available evidence is currently insufficient to determine the role of this variant in disease. Therefore, it has been classified as a Variant of Uncertain Significance.